The following is an entry in ClinVar:

ClinVar aggregate classification (germline): Pathogenic/Likely pathogenic. Review status: criteria provided, multiple submitters, no conflicts (2 of 4 stars). 3 submissions from 3 submitters: Pathogenic (1); Likely pathogenic (2). Last evaluated 2025-12-11.

Conditions:
3-Oxo-5 alpha-steroid delta 4-dehydrogenase deficiency (PPSH). Also called: PSEUDOVAGINAL PERINEOSCROTAL HYPOSPADIAS; MALE PSEUDOHERMAPHRODITISM DUE TO 5-ALPHA-REDUCTASE DEFICIENCY; 46,XY disorder of sex development due to 5-alpha-reductase 2 deficiency; FAMILIAL INCOMPLETE MALE PSEUDOHERMAPHRODITISM, TYPE 2. Identifiers: Orphanet 753, MedGen C0268297, MONDO:0009923, OMIM 264600. Disease mechanism: loss of function.

gnomAD v4.1: 1 of 1,609,420 alleles (0.000062%); no homozygotes.

Submissions (3):

Medical and Scientific Branch, Hong Kong Genome Institute
Classification: Likely pathogenic for 3-Oxo-5 alpha-steroid delta 4-dehydrogenase deficiency. Last evaluated: 2025-12-11. Review status: criteria provided, single submitter. Criteria: ACMG Guidelines, 2015. Collection method: clinical testing. Allele origin: germline. Affected: yes.

Victorian Clinical Genetics Services, Murdoch Childrens Research Institute
Classification: Pathogenic for 3-Oxo-5 alpha-steroid delta 4-dehydrogenase deficiency. Last evaluated: 2022-02-02. Review status: criteria provided, single submitter. Criteria: ACMG Guidelines, 2015. Collection method: clinical testing. Allele origin: germline. Inheritance: Autosomal recessive inheritance. Affected: yes.
Comment: Based on the classification scheme VCGS_Germline_v1.3.4, this variant is classified as Pathogenic. Following criteria are met: 0102 - Loss of function is a known mechanism of disease in this gene and is associated with pseudovaginal perineoscrotal hypospadias (MIM#264600). (I) 0106 - This gene is associated with autosomal recessive disease. (I) 0200 - Variant is predicted to result in a missense amino acid change from leucine to proline. (I) 0251 - This variant is heterozygous. (I) 0301 - Variant is absent from gnomAD (both v2 and v3). (SP) 0502 - Missense variant with conflicting in silico predictions and uninformative conservation. (I) 0604 - Variant is not located in an established domain, motif, hotspot or informative constraint region. (I) 0703 - Another missense variant comparable to the one identified in this case has moderate previous evidence for pathogenicity. This alternative change (p.(Leu55Gln)) has been reported as likely pathogenic and pathogenic, and observed in many homozygous individuals with differences of sex development (ClinVar, PMID: 33516834). (SP) 0803 - This variant has limited previous evidence of pathogenicity in unrelated individuals. This variant has been reported as likely pathogenic, and observed in a compound heterozygous individual with 5-alpha-reductase 2 deficiency and a micropenis (ClinVar, PMID: 19342739). (SP) 0905 - No published segregation evidence has been identified for this variant. (I) 1007 - No published functional evidence has been identified for this variant. (I) 1102 - Strong phenotype match for this individual. (SP) 1208 - Inheritance information for this variant is not currently available in this individual. (I) Legend: (SP) - Supporting pathogenic, (I) - Information, (SB) - Supporting benign

Clinical Genetics and Genomics, Karolinska University Hospital
Classification: Likely pathogenic. Last evaluated: 2019-06-05. Review status: criteria provided, single submitter. Criteria: ACMG Guidelines, 2015. Collection method: clinical testing. Allele origin: germline. Affected: yes. Observed: 1 variant allele.

Literature cited by the submitters: PubMed 19342739 (cited by Victorian Clinical Genetics Services, Murdoch Childrens Research Institute); PubMed 33516834 (cited by Victorian Clinical Genetics Services, Murdoch Childrens Research Institute).

NM_000348.4(SRD5A2):c.164T>C (p.Leu55Pro)

Gene: SRD5A2 (steroid 5 alpha-reductase 2; minus strand). Cytogenetic location: 2p23.1.
Variant type: single nucleotide variant.
Coding change: c.164T>C on transcript NM_000348.4 (MANE Select); coding-DNA position 164, T replaced by C.
Protein change: p.Leu55Pro; replaces leucine 55 with proline.
Molecular consequence: missense variant.
Genome position (GRCh38, 1-based): chr2:31,580,737, A>G on the plus strand (T>C on the coding strand, the complement: SRD5A2 is on the minus strand). VCF-style: chr2-31580737-A-G. GRCh37 (hg19) VCF-style: chr2-31805807-A-G.
Other names: c.164T>C (NM_000348.3); short protein forms L55P.
Identifiers: ClinVar variation 988574 (VCV000988574.5), dbSNP rs121434245, ClinGen allele CA346598986.